The following is an entry in ClinVar:

NM_015102.5(NPHP4):c.2230G>A (p.Val744Met)

Gene: NPHP4 (nephrocystin 4; minus strand). Cytogenetic location: 1p36.31.
Variant type: single nucleotide variant.
Coding change: c.2230G>A on transcript NM_015102.5 (MANE Select); coding-DNA position 2230, G replaced by A.
Protein change: p.Val744Met; replaces valine 744 with methionine.
Molecular consequence: missense variant. On other transcripts: non-coding transcript variant (1).
Genome position (GRCh38, 1-based): chr1:5,890,942, C>T on the plus strand (G>A on the coding strand, the complement: NPHP4 is on the minus strand). VCF-style: chr1-5890942-C-T. GRCh37 (hg19) VCF-style: chr1-5951002-C-T.
Other names: c.691G>A, p.Val231Met (NM_001291593.2); c.694G>A, p.Val232Met (NM_001291594.2); short protein forms V744M, V231M, V232M.
Identifiers: ClinVar variation 297810 (VCV000297810.16), dbSNP rs199712626, ClinGen allele CA554234.
Genomic context (GRCh38, chr1:5,890,942, plus strand): 5'-CAGCAGATCCGATGAGCAGCAGGGAGTCTCCGTCCCAGACGTCAATCTGCAGGGTCTGCA[C>T]GGCCAGGTAGCGGGCAAAGCAGCGCCGCTCACCTGGCTTCAGGAACCCAGGGCCCACCAT-3'
Protein context (NP_055917.1, residues 734-754): ERRCFARYLA[Val744Met]QTLQIDVWDG

ClinVar aggregate classification (germline): Uncertain significance. Review status: criteria provided, multiple submitters, no conflicts (2 of 4 stars). 6 submissions from 5 submitters: Uncertain significance (6). Last evaluated 2026-09-02.

Conditions:
Inborn genetic diseases. Identifiers: MedGen C0950123, MeSH D030342.
Nephronophthisis. Also called: Juvenile Nephronophthisis. Identifiers: Orphanet 655, MedGen C0687120, MONDO:0019005, HP:0000090.
Senior-Loken syndrome 4 (SLSN4). Identifiers: Orphanet 3156, MedGen C1846979, MONDO:0011756, OMIM 606996.
Nephronophthisis 4 (NPHP4). Also called: NEPHRONOPHTHISIS 4, JUVENILE. Identifiers: Orphanet 655, MedGen C1847013, MONDO:0011752, OMIM 606966.
NPHP4-related disorder. Also called: NPHP4-related disorders; NPHP4-related condition. Identifiers: MedGen CN239384.

Allele frequency attached by ClinVar (database versions not stated): gnomAD 0.00019; TOPMed 0.00021; ESP Exome Variant Server 0.00032.
gnomAD v4.1: 237 of 1,607,210 alleles (0.015%); highest among the groups gnomAD compares: Non-Finnish European, 0.018%; no homozygotes.

Submissions (6):

PreventionGenetics, part of Exact Sciences
Classification: Uncertain significance for NPHP4-related condition. Last evaluated: 2026-09-02. Review status: criteria provided, single submitter. Criteria: ACMG Guidelines, 2015. Collection method: clinical testing. Allele origin: germline.
Comment: The NPHP4 c.2230G>A variant is predicted to result in the amino acid substitution p.Val744Met. To our knowledge, this variant has not been reported in the literature. This variant is reported in 0.017% of alleles in individuals of European (Non-Finnish) descent in gnomAD. At this time, the clinical significance of this variant is uncertain due to the absence of conclusive functional and genetic evidence.

Ambry Genetics
Classification: Uncertain significance for Inborn genetic diseases. Last evaluated: 2025-04-03. Review status: criteria provided, single submitter. Criteria: Ambry Variant Classification Scheme 2023. Collection method: clinical testing. Allele origin: germline.

Labcorp Genetics (formerly Invitae), Labcorp
Classification: Uncertain significance for Nephronophthisis. Last evaluated: 2024-11-05. Review status: criteria provided, single submitter. Criteria: Invitae Variant Classification Sherloc (09022015). Collection method: clinical testing. Allele origin: germline.
Comment: This sequence change replaces valine, which is neutral and non-polar, with methionine, which is neutral and non-polar, at codon 744 of the NPHP4 protein (p.Val744Met). This variant is present in population databases (rs199712626, gnomAD 0.02%). This variant has not been reported in the literature in individuals affected with NPHP4-related conditions. ClinVar contains an entry for this variant (Variation ID: 297810). Invitae Evidence Modeling of protein sequence and biophysical properties (such as structural, functional, and spatial information, amino acid conservation, physicochemical variation, residue mobility, and thermodynamic stability) indicates that this missense variant is not expected to disrupt NPHP4 protein function with a negative predictive value of 80%. In summary, the available evidence is currently insufficient to determine the role of this variant in disease. Therefore, it has been classified as a Variant of Uncertain Significance.

Illumina Laboratory Services, Illumina
Classification: Uncertain significance for Senior-Loken syndrome 4. Last evaluated: 2018-01-13. Review status: criteria provided, single submitter. Criteria: ICSL Variant Classification Criteria 13 December 2019. Collection method: clinical testing. Allele origin: germline.

Illumina Laboratory Services, Illumina
Classification: Uncertain significance for Nephronophthisis 4. Last evaluated: 2018-01-13. Review status: criteria provided, single submitter. Criteria: ICSL Variant Classification Criteria 13 December 2019. Collection method: clinical testing. Allele origin: germline.

Breakthrough Genomics
Classification: Uncertain significance. Review status: criteria provided, single submitter. Criteria: ACMG Guidelines, 2015. Collection method: not provided. Allele origin: germline. Inheritance: Autosomal recessive inheritance. Affected: yes.